The following is an entry in ClinVar:

ClinVar aggregate classification (germline): Benign. Review status: criteria provided, multiple submitters, no conflicts (2 of 4 stars). 6 submissions from 3 submitters: Benign (6). Last evaluated 2021-05-13.

Conditions:
Neuropathy, congenital hypomyelinating, 2. Identifiers: MedGen C4722277, MONDO:0020765, OMIM 618184.
Charcot-Marie-Tooth disease type 1B. Also called: CHARCOT-MARIE-TOOTH DISEASE, AUTOSOMAL DOMINANT, WITH FOCALLY FOLDED MYELIN SHEATHS, TYPE 1B; CHARCOT-MARIE-TOOTH DISEASE, SLOW NERVE CONDUCTION TYPE, LINKED TO DUFFY; CHARCOT-MARIE-TOOTH NEUROPATHY, TYPE 1B; HEREDITARY MOTOR AND SENSORY NEUROPATHY I; HEREDITARY MOTOR AND SENSORY NEUROPATHY IB; PERONEAL MUSCULAR ATROPHY. Identifiers: Orphanet 101082, MedGen C0270912, MONDO:0007307, OMIM 118200.
Charcot-Marie-Tooth disease dominant intermediate D. Also called: CHARCOT-MARIE-TOOTH NEUROPATHY, DOMINANT INTERMEDIATE D; Charcot-Marie-Tooth disease dominant intermediate 3; CMT DI3. Identifiers: Orphanet 100046, MedGen C1843075, MONDO:0011909, OMIM 607791.
Roussy-Lévy syndrome. Also called: Roussy Levy hereditary areflexic dystasia; Roussy-Levy disease; Hereditary areflexic dystasia; Roussy-Levy Syndrome. Identifiers: Orphanet 3115, MedGen C0205713, MONDO:0008392, OMIM 180800.

Allele frequency attached by ClinVar (database versions not stated): gnomAD exomes 0.07203; gnomAD 0.12972 and 0.13087; TOPMed 0.13230; 1000 Genomes Project 30x 0.13632; 1000 Genomes Project 0.13638.
gnomAD v4.1: 19,705 of 152,666 alleles (13%); highest among the groups gnomAD compares: African/African-American, 22%; 1,561 homozygotes.

Submissions (9):

GeneDx
Classification: Benign. Last evaluated: 2021-05-13. Review status: criteria provided, single submitter. Criteria: GeneDx Variant Classification Process June 2021. Collection method: clinical testing. Allele origin: germline. Affected: yes.

Illumina Laboratory Services, Illumina
Classification: Benign for Roussy-Lévy syndrome. Last evaluated: 2018-01-13. Review status: criteria provided, single submitter. Criteria: ICSL Variant Classification Criteria 13 December 2019. Collection method: clinical testing. Allele origin: germline.
Comment: This variant was observed in the ICSL laboratory as part of a predisposition screen in an ostensibly healthy population. It had not been previously curated by ICSL or reported in the Human Gene Mutation Database (HGMD: prior to June 1st, 2018), and was therefore a candidate for classification through an automated scoring system. Utilizing variant allele frequency, disease prevalence and penetrance estimates, and inheritance mode, an automated score was calculated to assess if this variant is too frequent to cause the disease. Based on the score and internal cut-off values, a variant classified as benign is not then subjected to further curation. The score for this variant resulted in a classification of benign for this disease.

Illumina Laboratory Services, Illumina
Classification: Benign for Charcot-Marie-Tooth disease type 1B. Last evaluated: 2018-01-13. Review status: criteria provided, single submitter. Criteria: ICSL Variant Classification Criteria 13 December 2019. Collection method: clinical testing. Allele origin: germline.
Comment: the same text as in the submission from Illumina Laboratory Services, Illumina above.

Illumina Laboratory Services, Illumina
Classification: Benign for Charcot-Marie-Tooth disease dominant intermediate D. Last evaluated: 2018-01-13. Review status: criteria provided, single submitter. Criteria: ICSL Variant Classification Criteria 13 December 2019. Collection method: clinical testing. Allele origin: germline.
Comment: the same text as in the submission from Illumina Laboratory Services, Illumina above.

Illumina Laboratory Services, Illumina
Classification: Benign for Neuropathy, congenital hypomyelinating, 2. Last evaluated: 2018-01-13. Review status: criteria provided, single submitter. Criteria: ICSL Variant Classification Criteria 13 December 2019. Collection method: clinical testing. Allele origin: germline.
Comment: the same text as in the submission from Illumina Laboratory Services, Illumina above.

Breakthrough Genomics
Classification: Benign. Review status: criteria provided, single submitter. Criteria: ACMG Guidelines, 2015. Collection method: not provided. Allele origin: germline. Inheritance: Autosomal recessive inheritance. Affected: yes.

Dr. Peter K. Rogan Lab, Western University
No classification provided (evidence only). Condition: Acute myeloid leukemia. Review status: no classification provided. Collection method: in vitro. Allele origin: not applicable. Functional consequence: retained intron. Not counted in ClinVar's aggregate classification.

Dr. Peter K. Rogan Lab, Western University
No classification provided (evidence only). Condition: Acute myeloid leukemia. Review status: no classification provided. Collection method: in vitro. Allele origin: not applicable. Functional consequence: retained intron. Not counted in ClinVar's aggregate classification.

Dr. Peter K. Rogan Lab, Western University
No classification provided (evidence only). Condition: Acute myeloid leukemia. Review status: no classification provided. Collection method: in vitro. Allele origin: not applicable. Functional consequence: retained intron. Not counted in ClinVar's aggregate classification.

NM_000530.8(MPZ):c.*761A>G

Gene: MPZ (myelin protein zero; minus strand). Cytogenetic location: 1q23.3.
Variant type: single nucleotide variant.
Coding change: c.*761A>G on transcript NM_000530.8 (MANE Select); 761 bases downstream of the stop codon, A replaced by G.
Molecular consequence: 3 prime UTR variant.
Genome position (GRCh38, 1-based): chr1:161,305,115, T>C on the plus strand (A>G on the coding strand, the complement: MPZ is on the minus strand). VCF-style: chr1-161305115-T-C. GRCh37 (hg19) VCF-style: chr1-161274905-T-C.
Other names: NC_000001.10:g.161274905T>C; c.*761A>G (LRG_256t1); c.*569A>G (NM_001315491.2).
Identifiers: ClinVar variation 293304 (VCV000293304.9), dbSNP rs16832786, ClinGen allele CA10608528.